The following is an entry in ClinVar:

ClinVar aggregate classification (germline): Uncertain significance (1 of 4 stars; one submission).

Conditions:
EGFR-related lung cancer (EGFR). Identifiers: MedGen CN130014.

Submission:

Labcorp Genetics (formerly Invitae), Labcorp
Classification: Uncertain significance for EGFR-related lung cancer. Last evaluated: 2023-08-25. Review status: criteria provided, single submitter. Criteria: Invitae Variant Classification Sherloc (09022015). Collection method: clinical testing. Allele origin: germline.
Comment: In summary, the available evidence is currently insufficient to determine the role of this variant in disease. Therefore, it has been classified as a Variant of Uncertain Significance. Advanced modeling of protein sequence and biophysical properties (such as structural, functional, and spatial information, amino acid conservation, physicochemical variation, residue mobility, and thermodynamic stability) performed at Invitae indicates that this missense variant is expected to disrupt EGFR protein function. This variant has not been reported in the literature in individuals affected with EGFR-related conditions. This variant is not present in population databases (gnomAD no frequency). This sequence change replaces asparagine, which is neutral and polar, with lysine, which is basic and polar, at codon 771 of the EGFR protein (p.Asn771Lys).

NM_005228.5(EGFR):c.2313C>A (p.Asn771Lys)

Genes: EGFR-AS1 (EGFR antisense RNA 1; minus strand), EGFR (epidermal growth factor receptor; plus strand). Cytogenetic location: 7p11.2.
Variant type: single nucleotide variant.
Coding change: c.2313C>A on transcript NM_005228.5 (MANE Select); coding-DNA position 2313, C replaced by A.
Protein change: p.Asn771Lys; replaces asparagine 771 with lysine.
Molecular consequence: missense variant. On other transcripts: non-coding transcript variant (1).
Genome position (GRCh38, 1-based): chr7:55,181,322, C>A. VCF-style: chr7-55181322-C-A. GRCh37 (hg19) VCF-style: chr7-55249015-C-A.
Other names: c.2178C>A, p.Asn726Lys (NM_001346897.2, NM_001346899.2); c.2313C>A, p.Asn771Lys (NM_001346898.2); c.2154C>A, p.Asn718Lys (NM_001346900.2); c.1512C>A, p.Asn504Lys (NM_001346941.2); short protein forms N726K, N718K, N771K, N504K.
Identifiers: ClinVar variation 2755029 (VCV002755029.3), dbSNP rs2128958406, ClinGen allele CA367578670.